The following is an entry in ClinVar:

NM_078470.6(COX15):c.207_272+655del

Gene: COX15 (cytochrome c oxidase assembly factor COX15; minus strand). Cytogenetic location: 10q24.2.
Variant type: Deletion.
Coding change: c.207_272+655del on transcript NM_078470.6 (MANE Select); coding-DNA position 207 through 655 bases into the intron after coding-DNA position 272, 721 bases deleted.
Molecular consequence: splice donor variant.
Genome position (GRCh38, 1-based): chr10:99,728,898-99,729,618, 721 bases deleted. GRCh37 (hg19): chr10:101,488,659-101,489,379.
Other names: c.207_272+655del (NM_001320974.2, NM_001372026.1, NM_001372028.1 and 5 more transcripts); c.-248_-183+655del (NM_001320976.2).
Identifiers: ClinVar variation 2701344 (VCV002701344.3), dbSNP rs2492731708, ClinGen allele CA2697558714.

ClinVar aggregate classification (germline): Likely pathogenic (1 of 4 stars; one submission).

Submission:

Labcorp Genetics (formerly Invitae), Labcorp
Classification: Likely pathogenic. Last evaluated: 2023-12-06. Review status: criteria provided, single submitter. Criteria: Invitae Variant Classification Sherloc (09022015). Collection method: clinical testing. Allele origin: germline.
Comment: This variant results in the deletion of part of exon 2 (c.207_272+655del) of the COX15 gene. It is expected to disrupt RNA splicing. Variants that disrupt the donor or acceptor splice site typically lead to a loss of protein function (PMID: 16199547), and loss-of-function variants in COX15 are known to be pathogenic (PMID: 15863660, 21412973). This variant is not present in population databases (gnomAD no frequency). This variant has not been reported in the literature in individuals affected with COX15-related conditions. This variant disrupts a region of the COX15 protein in which other variant(s) (p.Gly78Arg) have been observed in individuals with COX15-related conditions (PMID: 33746038). This suggests that this is a clinically significant region of the protein, and that variants that disrupt it are likely to be disease-causing. In summary, the currently available evidence indicates that the variant is pathogenic, but additional data are needed to prove that conclusively. Therefore, this variant has been classified as Likely Pathogenic.

Literature cited by the submitters: PubMed 16199547; PubMed 15863660; PubMed 21412973; PubMed 33746038.